The following is an entry in ClinVar:

ClinVar aggregate classification (germline): Likely benign (1 of 4 stars; one submission).

gnomAD v4.1: 66 of 1,611,236 alleles (0.0041%); highest among the groups gnomAD compares: East Asian, 0.06%; no homozygotes.

Submission:

CeGaT Center for Human Genetics Tuebingen
Classification: Likely benign. Last evaluated: 2026-01-01. Review status: criteria provided, single submitter. Criteria: CeGaT Center For Human Genetics Tuebingen Variant Classification Criteria Version 2. Collection method: clinical testing. Allele origin: germline. Affected: yes. Observed: 1 variant allele.
Comment: CPSF1: BP4, BP7

NM_013291.3(CPSF1):c.2115C>T (p.Ser705=)

Gene: CPSF1 (cleavage and polyadenylation specific factor 1; minus strand). Cytogenetic location: 8q24.3.
Variant type: single nucleotide variant.
Coding change: c.2115C>T on transcript NM_013291.3 (MANE Select); coding-DNA position 2115, C replaced by T.
Protein change: p.Ser705=; no amino-acid change (serine 705 retained).
Molecular consequence: synonymous variant.
Genome position (GRCh38, 1-based): chr8:144,397,838, G>A on the plus strand (C>T on the coding strand, the complement: CPSF1 is on the minus strand). VCF-style: chr8-144397838-G-A. GRCh37 (hg19) VCF-style: chr8-145623053-G-A.
Identifiers: ClinVar variation 4820840 (VCV004820840.4).